The following is an entry in ClinVar:

ClinVar aggregate classification (germline): Uncertain significance (1 of 4 stars; one submission).

Conditions:
Hereditary cancer-predisposing syndrome. Also called: Tumor predisposition; Hereditary Cancer Syndrome; Neoplastic Syndromes, Hereditary; Hereditary neoplastic syndrome. Identifiers: Orphanet 140162, MedGen C0027672, MeSH D009386, MONDO:0015356.

Submission:

Ambry Genetics
Classification: Uncertain significance for Hereditary cancer-predisposing syndrome. Last evaluated: 2024-10-28. Review status: criteria provided, single submitter. Criteria: Ambry Variant Classification Scheme 2023. Collection method: clinical testing. Allele origin: germline.
Comment: The c.6096-5T>G intronic variant results from a T to G substitution 5 nucleotides upstream from coding exon 41 in the ATM gene. This nucleotide position is not well conserved in available vertebrate species. In silico splice site analysis predicts that this alteration will not have any significant effect on splicing; however, direct evidence is insufficient at this time (Ambry internal data). Based on the available evidence, the clinical significance of this variant remains unclear.

NM_000051.4(ATM):c.6096-5T>G

Genes: ATM (ATM serine/threonine kinase; plus strand), C11orf65 (chromosome 11 open reading frame 65; minus strand). Cytogenetic location: 11q22.3.
Variant type: single nucleotide variant.
Coding change: c.6096-5T>G on transcript NM_000051.4 (MANE Select); 5 bases into the intron before coding-DNA position 6096, T replaced by G.
Molecular consequence: intron variant.
Genome position (GRCh38, 1-based): chr11:108,316,006, T>G. VCF-style: chr11-108316006-T-G. GRCh37 (hg19) VCF-style: chr11-108186733-T-G.
Other names: c.6096-5T>G (NM_001351834.2); c.641-6935A>C (NM_001330368.2); c.*39-6935A>C (NM_001351110.2).
Identifiers: ClinVar variation 3451875 (VCV003451875.1).